The following is an entry in ClinVar:

NM_000377.3(WAS):c.1462del (p.Glu488fs)

Gene: WAS (WASP actin nucleation promoting factor; plus strand). Cytogenetic location: Xp11.23.
Variant type: Deletion.
Coding change: c.1462del on transcript NM_000377.3 (MANE Select); coding-DNA position 1462, one base deleted (G; older notation c.1462delG).
Protein change: p.Glu488fs; shifts the reading frame from glutamic acid 488.
Molecular consequence: frameshift variant.
Genome position (GRCh38, 1-based): chrX:48,691,115, G deleted; the last of 4 consecutive G bases (chrX:48,691,112-48,691,115); deleting any one gives the same sequence. VCF-style (leftmost placement, unchanged base first): chrX-48691111-AG-A. GRCh37 (hg19) VCF-style: chrX-48549502-AG-A.
Other names: short protein forms E488fs.
Identifiers: ClinVar variation 3234643 (VCV003234643.20), dbSNP rs2519291641, ClinGen allele CA2825002945.

ClinVar aggregate classification (germline): Likely pathogenic (1 of 4 stars; one submission).

Submission:

CeGaT Center for Human Genetics Tuebingen
Classification: Likely pathogenic. Last evaluated: 2024-04-01. Review status: criteria provided, single submitter. Criteria: CeGaT Center For Human Genetics Tuebingen Variant Classification Criteria Version 2. Collection method: clinical testing. Allele origin: germline. Affected: yes. Observed: 1 variant allele.
Comment: WAS: PP4:Strong, PM2, PVS1:Moderate